The following is an entry in ClinVar:

ClinVar aggregate classification (germline): Uncertain significance. Review status: criteria provided, multiple submitters, no conflicts (2 of 4 stars). 2 submissions from 2 submitters: Uncertain significance (2). Last evaluated 2024-01-11.

Conditions:
Hereditary cancer-predisposing syndrome. Also called: Neoplastic Syndromes, Hereditary; Tumor predisposition; Hereditary neoplastic syndrome; Hereditary Cancer Syndrome. Identifiers: Orphanet 140162, MedGen C0027672, MeSH D009386, MONDO:0015356.

gnomAD v4.1: 2 of 1,614,216 alleles (0.00012%); highest among the groups gnomAD compares: South Asian, 0.0022%; no homozygotes.

Submissions (2):

Ambry Genetics
Classification: Uncertain significance for Hereditary cancer-predisposing syndrome. Last evaluated: 2024-01-11. Review status: criteria provided, single submitter. Criteria: Ambry Variant Classification Scheme 2023. Collection method: clinical testing. Allele origin: germline.
Comment: The p.L32V variant (also known as c.94C>G), located in coding exon 2 of the POLE gene, results from a C to G substitution at nucleotide position 94. The leucine at codon 32 is replaced by valine, an amino acid with highly similar properties. This amino acid position is conserved. In addition, this alteration is predicted to be tolerated by in silico analysis. Since supporting evidence is limited at this time, the clinical significance of this alteration remains unclear.

Labcorp Genetics (formerly Invitae), Labcorp
Classification: Uncertain significance. Last evaluated: 2022-07-14. Review status: criteria provided, single submitter. Criteria: Invitae Variant Classification Sherloc (09022015). Collection method: clinical testing. Allele origin: germline.
Comment: In summary, the available evidence is currently insufficient to determine the role of this variant in disease. Therefore, it has been classified as a Variant of Uncertain Significance. Algorithms developed to predict the effect of missense changes on protein structure and function (SIFT, PolyPhen-2, Align-GVGD) all suggest that this variant is likely to be tolerated. This variant has not been reported in the literature in individuals affected with POLE-related conditions. This variant is present in population databases (no rsID available, gnomAD 0.006%). This sequence change replaces leucine, which is neutral and non-polar, with valine, which is neutral and non-polar, at codon 32 of the POLE protein (p.Leu32Val).

NM_006231.4(POLE):c.94C>G (p.Leu32Val)

Gene: POLE (DNA polymerase epsilon, catalytic subunit; minus strand). Cytogenetic location: 12q24.33.
Variant type: single nucleotide variant.
Coding change: c.94C>G on transcript NM_006231.4 (MANE Select); coding-DNA position 94, C replaced by G.
Protein change: p.Leu32Val; replaces leucine 32 with valine.
Molecular consequence: missense variant.
Genome position (GRCh38, 1-based): chr12:132,681,248, G>C on the plus strand (C>G on the coding strand, the complement: POLE is on the minus strand). VCF-style: chr12-132681248-G-C. GRCh37 (hg19) VCF-style: chr12-133257834-G-C.
Other names: c.94C>G (NM_006231.2); short protein forms L32V.
Identifiers: ClinVar variation 1722279 (VCV001722279.6), dbSNP rs781513537, ClinGen allele CA387370526.
Genomic context (GRCh38, chr12:132,681,248, plus strand): 5'-GCTCAAAACCAAACCGCAAATCCATCTTATCCGTCCACTGACTCCGTTCCAGGCGCTTGA[G>C]TGCCGAAACTGAGGAAGTGGCGCCATCATCCCTGAGTGAAAGAAGGGAACCCCGTGCTTA-3'
Protein context (NP_006222.2, residues 22-42): DDGATSSVSA[Leu32Val]KRLERSQWTD